The following is an entry in ClinVar:

NM_052867.4(NALCN):c.4755+3G>A

Gene: NALCN (sodium leak channel, non-selective; minus strand). Cytogenetic location: 13q32.3.
Variant type: single nucleotide variant.
Coding change: c.4755+3G>A on transcript NM_052867.4 (MANE Select); 3 bases into the intron after coding-DNA position 4755, G replaced by A.
Molecular consequence: intron variant.
Genome position (GRCh38, 1-based): chr13:101,061,965, C>T on the plus strand (G>A on the coding strand, the complement: NALCN is on the minus strand). VCF-style: chr13-101061965-C-T. GRCh37 (hg19) VCF-style: chr13-101714317-C-T.
Other names: c.4668+3G>A (NM_001350751.2, NM_001350750.2); c.4755+3G>A (NM_001350749.2); c.4842+3G>A (NM_001350748.2).
Identifiers: ClinVar variation 3022447 (VCV003022447.3), dbSNP rs769942957, ClinGen allele CA7035041.
Genomic context (GRCh38, chr13:101,061,965, plus strand): 5'-TCCTCCTGCGGGGCAGGGCGGGGCGGGGCGGGGACCCAACCTGCATGTGTGCAGTTCACT[C>T]ACAGCTCTGATGCGCTTCAGGCACTTCTTGAGCCACATGCGGATGGTCTGCTTGGCCACC-3'

ClinVar aggregate classification (germline): Uncertain significance (1 of 4 stars; one submission).

Allele frequency attached by ClinVar (database versions not stated): gnomAD exomes 0.00003; TOPMed 0.00003; ExAC 0.00006; gnomAD 0.00001.
gnomAD v4.1: 19 of 1,612,860 alleles (0.0012%); highest among the groups gnomAD compares: Admixed American, 0.032%; 1 homozygote.

Submission:

Labcorp Genetics (formerly Invitae), Labcorp
Classification: Uncertain significance. Last evaluated: 2026-01-21. Review status: criteria provided, single submitter. Criteria: Invitae Variant Classification Sherloc (09022015). Collection method: clinical testing. Allele origin: germline.
Comment: This sequence change falls in intron 41 of the NALCN gene. It does not directly change the encoded amino acid sequence of the NALCN protein. It affects a nucleotide within the consensus splice site. This variant is present in population databases (rs769942957, gnomAD 0.05%), including at least one homozygous and/or hemizygous individual. This variant has not been reported in the literature in individuals affected with NALCN-related conditions. ClinVar contains an entry for this variant (Variation ID: 3022447). Variants that disrupt the consensus splice site are a relatively common cause of aberrant splicing (PMID: 17576681, 9536098). Algorithms developed to predict the effect of sequence changes on RNA splicing suggest that this variant is not likely to affect RNA splicing. In summary, the available evidence is currently insufficient to determine the role of this variant in disease. Therefore, it has been classified as a Variant of Uncertain Significance.

Literature cited by the submitters: PubMed 17576681; PubMed 9536098.